The following is an entry in ClinVar:

NM_005235.3(ERBB4):c.392T>C (p.Leu131Pro)

Gene: ERBB4 (erb-b2 receptor tyrosine kinase 4; minus strand). Cytogenetic location: 2q34.
Variant type: single nucleotide variant.
Coding change: c.392T>C on transcript NM_005235.3 (MANE Select); coding-DNA position 392, T replaced by C.
Protein change: p.Leu131Pro; replaces leucine 131 with proline.
Molecular consequence: missense variant.
Genome position (GRCh38, 1-based): chr2:211,947,459, A>G on the plus strand (T>C on the coding strand, the complement: ERBB4 is on the minus strand). VCF-style: chr2-211947459-A-G. GRCh37 (hg19) VCF-style: chr2-212812184-A-G.
Other names: c.392T>C, p.Leu131Pro (NM_001042599.2); short protein forms L131P.
Identifiers: ClinVar variation 2715686 (VCV002715686.3), dbSNP rs192066345, ClinGen allele CA2088455.

ClinVar aggregate classification (germline): Uncertain significance (1 of 4 stars; one submission).

Allele frequency attached by ClinVar (database versions not stated): ExAC 0.00001; gnomAD 0.00001; TOPMed 0.00002; 1000 Genomes Project 30x 0.00016; 1000 Genomes Project 0.00020.
gnomAD v4.1: 2 of 1,613,872 alleles (0.00012%); highest among the groups gnomAD compares: Admixed American, 0.0017%; no homozygotes.

Submission:

Labcorp Genetics (formerly Invitae), Labcorp
Classification: Uncertain significance. Last evaluated: 2023-04-15. Review status: criteria provided, single submitter. Criteria: Invitae Variant Classification Sherloc (09022015). Collection method: clinical testing. Allele origin: germline.
Comment: This sequence change replaces leucine, which is neutral and non-polar, with proline, which is neutral and non-polar, at codon 131 of the ERBB4 protein (p.Leu131Pro). This variant is present in population databases (rs192066345, gnomAD 0.003%). This variant has not been reported in the literature in individuals affected with ERBB4-related conditions. Advanced modeling of protein sequence and biophysical properties (such as structural, functional, and spatial information, amino acid conservation, physicochemical variation, residue mobility, and thermodynamic stability) has been performed at Invitae for this missense variant, however the output from this modeling did not meet the statistical confidence thresholds required to predict the impact of this variant on ERBB4 protein function. In summary, the available evidence is currently insufficient to determine the role of this variant in disease. Therefore, it has been classified as a Variant of Uncertain Significance.